The following is an entry in ClinVar:

ClinVar aggregate classification (germline): Uncertain significance (1 of 4 stars; one submission).

Conditions:
Thrombomodulin-related bleeding disorder (THPH12). Also called: Thrombophilia due to thrombomodulin defect. Identifiers: Orphanet 436169, MedGen C3280976, MONDO:0013775, OMIM 614486.

Submission:

Genomenon, Inc
Classification: Uncertain significance for Thrombomodulin-related bleeding disorder. Last evaluated: 2025-09-22. Review status: criteria provided, single submitter. Criteria: Genomenon Sequence Variant Interpretation Standards - Updated. Collection method: curation. Allele origin: germline. Affected: no.
Comment: THBD p.Val358Ala (c.1073T>C) is a missense variant that changes the amino acid at residue 358 from Valine to Alanine. This variant has been reported in the published literature (PMID:10801821). It is absent or not present at a significant frequency in gnomAD. In silico models agree that this variant is not damaging. In conclusion, we classify THBD p.Val358Ala (c.1073T>C) as a variant of unknown significance.

Literature cited by the submitters: PubMed 10801821.

NM_000361.3(THBD):c.1073T>C (p.Val358Ala)

Gene: THBD (thrombomodulin; minus strand). Cytogenetic location: 20p11.21.
Variant type: single nucleotide variant.
Coding change: c.1073T>C on transcript NM_000361.3 (MANE Select); coding-DNA position 1073, T replaced by C.
Protein change: p.Val358Ala; replaces valine 358 with alanine.
Molecular consequence: missense variant.
Genome position (GRCh38, 1-based): chr20:23,048,432, A>G on the plus strand (T>C on the coding strand, the complement: THBD is on the minus strand). VCF-style: chr20-23048432-A-G. GRCh37 (hg19) VCF-style: chr20-23029069-A-G.
Other names: short protein forms V358A.
Identifiers: ClinVar variation 4280336 (VCV004280336.1).